The following is an entry in ClinVar:

NM_001174147.2(LMX1B):c.962C>T (p.Ala321Val)

Gene: LMX1B (LIM homeobox transcription factor 1 beta; plus strand). Cytogenetic location: 9q33.3.
Variant type: single nucleotide variant.
Coding change: c.962C>T on transcript NM_001174147.2 (MANE Select); coding-DNA position 962, C replaced by T.
Protein change: p.Ala321Val; replaces alanine 321 with valine.
Molecular consequence: missense variant.
Genome position (GRCh38, 1-based): chr9:126,695,914, C>T. VCF-style: chr9-126695914-C-T. GRCh37 (hg19) VCF-style: chr9-129458193-C-T.
Other names: c.995C>T, p.Ala332Val (NM_001174146.2); c.962C>T, p.Ala321Val (NM_002316.4); short protein forms A321V, A332V.
Identifiers: ClinVar variation 4881549 (VCV004881549.2).

ClinVar aggregate classification (germline): Uncertain significance (1 of 4 stars; one submission).

Conditions:
Nail-patella syndrome (NPS). Also called: FONG DISEASE; ONYCHOOSTEODYSPLASIA; TURNER-KIESER SYNDROME. Identifiers: Orphanet 2614, MedGen C0027341, MONDO:0008061, OMIM 161200.

Submission:

Dasa
Classification: Uncertain significance for Nail-patella syndrome. Last evaluated: 2025-08-04. Review status: criteria provided, single submitter. Criteria: DASA Assertion Criteria. Collection method: clinical testing. Allele origin: germline.
Comment: NM_001174147.2(LMX1B):c.962C>T (p.Ala321Val) is a missense variant that results in the substitution of alanine with valine. This variant is absent from population databases. Computational prediction algorithms are consistent with a benign effect. The currently available literature and clinical evidence are not sufficient to establish a definitive association between this variant and the reported condition. Therefore, this variant is classified as a variant of uncertain significance.